The following is an entry in ClinVar:

ClinVar aggregate classification (germline): Benign. Review status: reviewed by expert panel (3 of 4 stars). 35 submissions from 34 submitters: Benign (1). 34 of the submissions do not count toward it. Last evaluated 2015-08-10.

Conditions:
Pancreatic cancer, susceptibility to, 4. Identifiers: Orphanet 1333, MedGen C3280442, MONDO:0013685, OMIM 614320.
Familial cancer of breast. Also called: Hereditary breast cancer; hereditary breast carcinoma; BREAST CANCER, FAMILIAL. Identifiers: Orphanet 227535, MedGen C0346153, MONDO:0016419, OMIM 114480. Disease mechanism: loss of function.
Breast-ovarian cancer, familial, susceptibility to, 1 (BROVCA1). Also called: BRCA1 Hereditary Breast and Ovarian Cancer; OVARIAN CANCER, SUSCEPTIBILITY TO. Identifiers: Orphanet 145, MedGen C2676676, MONDO:0011450, OMIM 604370. Disease mechanism: loss of function.
Fanconi anemia, complementation group S (FANCS). Identifiers: MedGen C4554406, MONDO:0054748, OMIM 617883.
Breast and/or ovarian cancer. Identifiers: MedGen CN221562.
Hereditary cancer-predisposing syndrome. Also called: Neoplastic Syndromes, Hereditary; Hereditary neoplastic syndrome; Hereditary Cancer Syndrome; Tumor predisposition. Identifiers: Orphanet 140162, MedGen C0027672, MeSH D009386, MONDO:0015356.
Hereditary breast ovarian cancer syndrome. Also called: Hereditary breast and ovarian cancer syndrome (HBOC); Breast and ovarian cancer; BRCA1- and BRCA2-Associated Hereditary Breast and Ovarian Cancer; Hereditary breast and ovarian cancer syndrome; Hereditary breast and ovarian cancer; Hereditary breast and/or ovarian cancer syndrome. Identifiers: Orphanet 145, MedGen C0677776, MeSH D061325, MONDO:0003582. Disease mechanism: loss of function.

Allele frequency attached by ClinVar (database versions not stated): gnomAD exomes 0.00089 and 0.00240; gnomAD 0.00897 and 0.00964; 1000 Genomes Project 0.01038; 1000 Genomes Project 30x 0.01156; ExAC 0.00304; ESP Exome Variant Server 0.01007; TOPMed 0.01052.
gnomAD v4.1: 2,725 of 1,613,798 alleles (0.17%); highest among the groups gnomAD compares: African/African-American, 3.2%; 33 homozygotes.

Submissions 1 to 19 of 35:

Evidence-based Network for the Interpretation of Germline Mutant Alleles (ENIGMA)
Classification: Benign for Breast-ovarian cancer, familial 1. Last evaluated: 2015-08-10. Review status: reviewed by expert panel. Criteria: ENIGMA BRCA1/2 Classification Criteria (2015). Collection method: curation. Allele origin: germline.
Comment: IARC class based on posterior probability from multifactorial likelihood analysis, thresholds for class as per Plon et al. 2008 (PMID: 18951446). Class 1 based on posterior probability = 0.00000000000204. Also class 1 based on frequency >1% in an outbred sampleset. Frequency 0.06098 (African), derived from 1000 genomes (2012-04-30).

CeGaT Center for Human Genetics Tuebingen
Classification: Benign. Last evaluated: 2026-07-01. Review status: criteria provided, single submitter. Criteria: CeGaT Center For Human Genetics Tuebingen Variant Classification Criteria Version 2. Collection method: clinical testing. Allele origin: germline. Affected: yes. Observed: 10 variant alleles. Not counted in ClinVar's aggregate classification.
Comment: BRCA1: BP4, BS1, BS2

Labcorp Genetics (formerly Invitae), Labcorp
Classification: Benign for Hereditary breast ovarian cancer syndrome. Last evaluated: 2026-02-04. Review status: criteria provided, single submitter. Criteria: Invitae Variant Classification Sherloc (09022015). Collection method: clinical testing. Allele origin: germline. Not counted in ClinVar's aggregate classification.

Center for Genomic Medicine, Rigshospitalet, Copenhagen University Hospital
Classification: Benign. Last evaluated: 2025-03-04. Review status: criteria provided, single submitter. Criteria: ACMG Guidelines, 2015. Collection method: clinical testing. Allele origin: germline. Not counted in ClinVar's aggregate classification.

ARUP Laboratories, Molecular Genetics and Genomics, ARUP Laboratories
Classification: Benign. Last evaluated: 2024-12-16. Review status: criteria provided, single submitter. Criteria: ARUP Molecular Germline Variant Investigation Process 2024. Collection method: clinical testing. Allele origin: germline. Not counted in ClinVar's aggregate classification.

Dasa
Classification: Benign for Breast-ovarian cancer, familial, susceptibility to, 1. Last evaluated: 2024-12-07. Review status: criteria provided, single submitter. Criteria: DASA Assertion Criteria. Collection method: clinical testing. Allele origin: germline. Not counted in ClinVar's aggregate classification.
Comment: NM_007294.4(BRCA1):c.2458A>G (p.Lys820Glu) is interpreted as benign based on a combination of available evidence, including population frequency. Based on the available data, this variant is classified as benign.

KCCC/NGS Laboratory, Kuwait Cancer Control Center
Classification: Benign for Breast-ovarian cancer, familial, susceptibility to, 1. Last evaluated: 2023-07-07. Review status: criteria provided, single submitter. Criteria: ACMG Guidelines, 2015. Collection method: clinical testing. Allele origin: germline. Affected: yes. Not counted in ClinVar's aggregate classification.

National Health Laboratory Service, Universitas Academic Hospital and University of the Free State
Classification: Benign for Hereditary breast ovarian cancer syndrome. Last evaluated: 2022-04-19. Review status: criteria provided, single submitter. Criteria: ACMG Guidelines, 2015. Collection method: clinical testing. Allele origin: germline. Affected: yes. Observed: 24 variant alleles. Not counted in ClinVar's aggregate classification.

Genetics Program, Instituto Nacional de Cancer
Classification: Benign for Hereditary breast ovarian cancer syndrome. Last evaluated: 2021-11-01. Review status: criteria provided, single submitter. Criteria: ACMG Guidelines, 2015. Collection method: research. Allele origin: germline. Affected: yes. Not counted in ClinVar's aggregate classification.

Fulgent Genetics
Classification: Benign for Familial cancer of breast; Breast-ovarian cancer, familial, susceptibility to, 1; Pancreatic cancer, susceptibility to, 4; Fanconi anemia, complementation group S. Last evaluated: 2021-08-04. Review status: criteria provided, single submitter. Criteria: ACMG Guidelines, 2015. Collection method: clinical testing. Allele origin: unknown. Not counted in ClinVar's aggregate classification.

Sema4
Classification: Benign for Hereditary cancer-predisposing syndrome. Last evaluated: 2020-04-17. Review status: criteria provided, single submitter. Criteria: Sema4 Curation Guidelines. Collection method: curation. Allele origin: germline. Not counted in ClinVar's aggregate classification.

Institute for Biomarker Research, Medical Diagnostic Laboratories, L.L.C.
Classification: Likely benign for Hereditary cancer-predisposing syndrome. Last evaluated: 2018-05-23. Review status: criteria provided, single submitter. Criteria: ACMG Guidelines, 2015. Collection method: clinical testing. Allele origin: germline. Not counted in ClinVar's aggregate classification.

Illumina Laboratory Services, Illumina
Classification: Benign for Breast-ovarian cancer, familial, susceptibility to, 1. Last evaluated: 2018-01-13. Review status: criteria provided, single submitter. Criteria: ICSL Variant Classification Criteria 13 December 2019. Collection method: clinical testing. Allele origin: germline. Not counted in ClinVar's aggregate classification.
Comment: This variant was observed in the ICSL laboratory as part of a predisposition screen in an ostensibly healthy population. It had not been previously curated by ICSL or reported in the Human Gene Mutation Database (HGMD: prior to June 1st, 2018), and was therefore a candidate for classification through an automated scoring system. Utilizing variant allele frequency, disease prevalence and penetrance estimates, and inheritance mode, an automated score was calculated to assess if this variant is too frequent to cause the disease. Based on the score and internal cut-off values, a variant classified as benign is not then subjected to further curation. The score for this variant resulted in a classification of benign for this disease.

GeneKor MSA
Classification: Benign. Last evaluated: 2017-11-01. Review status: criteria provided, single submitter. Criteria: ACMG Guidelines, 2015. Collection method: clinical testing. Allele origin: germline. Affected: yes. Not counted in ClinVar's aggregate classification.

Institute for Biomarker Research, Medical Diagnostic Laboratories, L.L.C.
Classification: Likely benign for Hereditary breast and ovarian cancer syndrome(HBOC). Last evaluated: 2017-02-14. Review status: criteria provided, single submitter. Criteria: ACMG Guidelines, 2015. Collection method: clinical testing. Allele origin: germline. Not counted in ClinVar's aggregate classification.

Vantari Genetics
Classification: Likely benign for Hereditary cancer-predisposing syndrome. Last evaluated: 2016-01-05. Review status: criteria provided, single submitter. Criteria: ACMG Guidelines, 2015. Collection method: clinical testing. Allele origin: germline. Not counted in ClinVar's aggregate classification.

Clinical Genetics DNA and cytogenetics Diagnostics Lab, Erasmus MC, Erasmus Medical Center
Classification: Benign for Breast-ovarian cancer, familial, susceptibility to, 1. Last evaluated: 2015-09-21. Review status: criteria provided, single submitter. Criteria: ACGS Guidelines, 2013. Collection method: clinical testing. Allele origin: germline. Affected: yes. Study: VKGL Data-share Consensus. Not counted in ClinVar's aggregate classification.

Genomic Diagnostic Laboratory, Division of Genomic Diagnostics, Children's Hospital of Philadelphia
Classification: Benign. Last evaluated: 2015-07-27. Review status: criteria provided, single submitter. Criteria: DGD Variant Analysis Guidelines. Collection method: clinical testing. Allele origin: unknown. Not counted in ClinVar's aggregate classification.

Color Diagnostics, LLC DBA Color Health
Classification: Benign for Hereditary cancer-predisposing syndrome. Last evaluated: 2014-12-06. Review status: criteria provided, single submitter. Criteria: ACMG Guidelines, 2015. Collection method: clinical testing. Allele origin: germline. Not counted in ClinVar's aggregate classification.

NM_007294.4(BRCA1):c.2458A>G (p.Lys820Glu)

Gene: BRCA1 (BRCA1 DNA repair associated; minus strand). Cytogenetic location: 17q21.31.
Variant type: single nucleotide variant.
Coding change: c.2458A>G on transcript NM_007294.4 (MANE Select); coding-DNA position 2458, A replaced by G.
Protein change: p.Lys820Glu; replaces lysine 820 with glutamic acid.
Molecular consequence: missense variant. On other transcripts: intron variant (137).
Genome position (GRCh38, 1-based): chr17:43,093,073, T>C on the plus strand (A>G on the coding strand, the complement: BRCA1 is on the minus strand). VCF-style: chr17-43093073-T-C. GRCh37 (hg19) VCF-style: chr17-41245090-T-C.
Other names: 2577A>G; NP_009225.1:p.Lys820Glu; c.709+1671A>G (NM_001408409.1, NM_001408414.1, NM_001408411.1 and 2 more transcripts); c.574+1671A>G (NM_001408493.1, NM_001408490.1, NM_001408491.1); c.454+1671A>G (NM_001408502.1); c.577+1671A>G (NM_001408489.1, NM_001408479.1, NM_001408482.1 and 9 more transcripts); c.661+1671A>G (NM_001408445.1, NM_001408432.1, NM_001408450.1 and 6 more transcripts); c.668-2041A>G (NM_001408431.1, NM_001408424.1, NM_001408421.1); and 43 more; short protein forms K820E, K773E, K524E, K753E, K779E, K817E, K693E, K708E.
Identifiers: ClinVar variation 41810 (VCV000041810.118), dbSNP rs56082113, ClinGen allele CA001639.